The following is an entry in ClinVar:

NM_014000.3(VCL):c.1542C>A (p.Val514=)

Gene: VCL (vinculin; plus strand). Cytogenetic location: 10q22.2.
Variant type: single nucleotide variant.
Coding change: c.1542C>A on transcript NM_014000.3 (MANE Select); coding-DNA position 1542, C replaced by A.
Protein change: p.Val514=; no amino-acid change (valine 514 retained).
Molecular consequence: synonymous variant.
Genome position (GRCh38, 1-based): chr10:74,094,460, C>A. VCF-style: chr10-74094460-C-A. GRCh37 (hg19) VCF-style: chr10-75854218-C-A.
Other names: c.1542C>A, p.Val514= (NM_003373.4).
Identifiers: ClinVar variation 950237 (VCV000950237.1), dbSNP rs7904077, ClinGen allele CA470173715.

ClinVar aggregate classification (germline): Uncertain significance (1 of 4 stars; one submission).

Conditions:
Dilated cardiomyopathy 1W (CMD1W). Identifiers: Orphanet 154, MedGen C1969639, MONDO:0012667, OMIM 611407.

gnomAD v4.1: 1 of 1,613,322 alleles (0.000062%); highest among the groups gnomAD compares: South Asian, 0.0011%; no homozygotes.

Submission:

Labcorp Genetics (formerly Invitae), Labcorp
Classification: Uncertain significance for Dilated cardiomyopathy 1W. Last evaluated: 2019-05-11. Review status: criteria provided, single submitter. Criteria: Invitae Variant Classification Sherloc (09022015). Collection method: clinical testing. Allele origin: germline.
Comment: This sequence change affects codon 514 of the VCL mRNA. It is a 'silent' change, meaning that it does not change the encoded amino acid sequence of the VCL protein. This variant is not present in population databases (ExAC no frequency). This variant has not been reported in the literature in individuals with VCL-related conditions. Algorithms developed to predict the effect of sequence changes on RNA splicing suggest that this variant is not likely to affect RNA splicing, but this prediction has not been confirmed by published transcriptional studies. In summary, the available evidence is currently insufficient to determine the role of this variant in disease. Therefore, it has been classified as a Variant of Uncertain Significance.